The following is an entry in ClinVar:

NM_006393.3(NEBL):c.798+58G>T

Gene: NEBL (nebulette; minus strand). Cytogenetic location: 10p12.31.
Variant type: single nucleotide variant.
Coding change: c.798+58G>T on transcript NM_006393.3 (MANE Select); 58 bases into the intron after coding-DNA position 798, G replaced by T.
Molecular consequence: intron variant.
Genome position (GRCh38, 1-based): chr10:20,859,655, C>A on the plus strand (G>T on the coding strand, the complement: NEBL is on the minus strand). VCF-style: chr10-20859655-C-A. GRCh37 (hg19) VCF-style: chr10-21148584-C-A.
Other names: c.250-46715G>T (NM_001377326.1, NM_001377327.1, NM_001377328.1); c.358-46715G>T (NM_213569.2, NM_001173484.2, NM_001377322.1); c.301-46715G>T (NM_001377324.1); c.292-46715G>T (NM_001377325.1); c.310-46715G>T (NM_001377323.1).
Identifiers: ClinVar variation 671154 (VCV000671154.2), dbSNP rs4748729, ClinGen allele CA13261314.
Genomic context (GRCh38, chr10:20,859,655, plus strand): 5'-CTTCAGTTCAACTACAAATTACTTGGAAGCTAAGTATCAGTAATTACAACACAGTCGATT[C>A]TAAAAAAAACAAGAATCAAAAGATTTTGAAAATAATTTTCTATGAATTACAACTTACATT-3'

ClinVar aggregate classification (germline): Benign. Review status: criteria provided, multiple submitters, no conflicts (2 of 4 stars). 2 submissions from 2 submitters: Benign (2). Last evaluated 2018-06-14.

Allele frequency attached by ClinVar (database versions not stated): 1000 Genomes Project 30x 0.49485; 1000 Genomes Project 0.50300; TOPMed 0.54128; gnomAD 0.56242 and 0.56332; gnomAD exomes 0.62190.
gnomAD v4.1: 718,554 of 1,172,360 alleles (61%); highest among the groups gnomAD compares: Non-Finnish European, 64%; 224,329 homozygotes.

Submissions (2):

GeneDx
Classification: Benign. Last evaluated: 2018-06-14. Review status: criteria provided, single submitter. Criteria: GeneDx Variant Classification (06012015). Collection method: clinical testing. Allele origin: germline. Affected: yes.
Comment: This variant is considered likely benign or benign based on one or more of the following criteria: it is a conservative change, it occurs at a poorly conserved position in the protein, it is predicted to be benign by multiple in silico algorithms, and/or has population frequency not consistent with disease.

Breakthrough Genomics
Classification: Benign. Review status: criteria provided, single submitter. Criteria: ACMG Guidelines, 2015. Collection method: not provided. Allele origin: germline. Inheritance: Unknown mechanism. Affected: yes.